The following is an entry in ClinVar:

NM_002485.5(NBN):c.38-1G>A

Gene: NBN (nibrin; minus strand). Cytogenetic location: 8q21.3.
Variant type: single nucleotide variant.
Coding change: c.38-1G>A on transcript NM_002485.5 (MANE Select); the canonical splice acceptor site of the intron before coding-DNA position 38, G replaced by A.
Molecular consequence: splice acceptor variant.
Genome position (GRCh38, 1-based): chr8:89,982,856, C>T on the plus strand (G>A on the coding strand, the complement: NBN is on the minus strand). VCF-style: chr8-89982856-C-T. GRCh37 (hg19) VCF-style: chr8-90995084-C-T.
Other names: c.-259-1G>A (NM_001024688.3).
Identifiers: ClinVar variation 917663 (VCV000917663.2), dbSNP rs1812140936, ClinGen allele CA371663768.

ClinVar aggregate classification (germline): Likely pathogenic (1 of 4 stars; one submission).

Conditions:
Microcephaly, normal intelligence and immunodeficiency (NBS). Also called: Ataxia telangiectasia variant V1; IMMUNODEFICIENCY, MICROCEPHALY, AND CHROMOSOMAL INSTABILITY; SEEMANOVA SYNDROME II; Nijmegen breakage syndrome; Microcephaly with normal intelligence immunodeficiency and lymphoreticular malignancies; Nonsyndromal microcephaly autosomal recessive with normal intelligence. Identifiers: Orphanet 647, MedGen C0398791, MONDO:0009623, OMIM 251260.

Allele frequency attached by ClinVar (database versions not stated): gnomAD exomes below 0.00001.
gnomAD v4.1: 2 of 1,613,112 alleles (0.00012%); highest among the groups gnomAD compares: Non-Finnish European, 0.00017%; no homozygotes.

Submission:

Women's Health and Genetics/Laboratory Corporation of America, LabCorp
Classification: Likely pathogenic for Microcephaly, normal intelligence and immunodeficiency. Last evaluated: 2024-12-20. Review status: criteria provided, single submitter. Criteria: LabCorp Variant Classification Summary - May 2015. Collection method: clinical testing. Allele origin: germline.
Comment: Variant summary: NBN c.38-1G>A is located in a canonical splice-site and is predicted to affect mRNA splicing resulting in a significantly altered protein due to either exon skipping, shortening, or inclusion of intronic material. Variants that disrupt the consensus splice site are a relatively common cause of aberrant splicing and loss of NBN function. Several computational tools predict a significant impact on normal splicing: two predict the variant abolishes the canonical 3' splicing acceptor site and generates a novel 3' splicing acceptor site 2 nucleotides downstream, which would result in a frameshift. In addition, one computational tool also predicts the activation of a tandem acceptor site, 3 nucleotides downstream of the preferential proximal AG site, which would result in an in-frame deletion of one amino acid from the protein product. However, these predictions have yet to be confirmed by functional studies. The variant was absent in 250848 control chromosomes. To our knowledge, no occurrence of c.38-1G>A in individuals affected with Nijmegen Breakage Syndrome and no experimental evidence demonstrating its impact on protein function have been reported. ClinVar contains an entry for this variant (Variation ID: 917663). Based on the evidence outlined above, the variant was classified as likely pathogenic.